The following is an entry in ClinVar:

NM_005228.5(EGFR):c.2857A>C (p.Ile953Leu)

Gene: EGFR (epidermal growth factor receptor; plus strand). Cytogenetic location: 7p11.2.
Variant type: single nucleotide variant.
Coding change: c.2857A>C on transcript NM_005228.5 (MANE Select); coding-DNA position 2857, A replaced by C.
Protein change: p.Ile953Leu; replaces isoleucine 953 with leucine.
Molecular consequence: missense variant.
Genome position (GRCh38, 1-based): chr7:55,200,324, A>C. VCF-style: chr7-55200324-A-C. GRCh37 (hg19) VCF-style: chr7-55268017-A-C.
Other names: c.2857A>C (NM_005228.3); c.2722A>C, p.Ile908Leu (NM_001346897.2, NM_001346899.2); c.2857A>C, p.Ile953Leu (NM_001346898.2); c.2698A>C, p.Ile900Leu (NM_001346900.2); c.2056A>C, p.Ile686Leu (NM_001346941.2); short protein forms I686L, I908L, I953L, I900L.
Identifiers: ClinVar variation 1367757 (VCV001367757.9), dbSNP rs2128969787, ClinGen allele CA367581696.

ClinVar aggregate classification (germline): Uncertain significance. Review status: criteria provided, multiple submitters, no conflicts (2 of 4 stars). 2 submissions from 2 submitters: Uncertain significance (2). Last evaluated 2025-02-21.

Conditions:
Hereditary cancer-predisposing syndrome. Also called: Neoplastic Syndromes, Hereditary; Tumor predisposition; Hereditary neoplastic syndrome; Hereditary Cancer Syndrome. Identifiers: Orphanet 140162, MedGen C0027672, MeSH D009386, MONDO:0015356.
EGFR-related lung cancer (EGFR). Identifiers: MedGen CN130014.

Submissions (2):

Ambry Genetics
Classification: Uncertain significance for Hereditary cancer-predisposing syndrome. Last evaluated: 2025-02-21. Review status: criteria provided, single submitter. Criteria: Ambry Variant Classification Scheme 2023. Collection method: clinical testing. Allele origin: germline.
Comment: The p.I953L variant (also known as c.2857A>C), located in coding exon 24 of the EGFR gene, results from an A to C substitution at nucleotide position 2857. The isoleucine at codon 953 is replaced by leucine, an amino acid with highly similar properties. This amino acid position is conserved. In addition, the in silico prediction for this alteration is inconclusive. Based on the available evidence, the clinical significance of this variant remains unclear.

Labcorp Genetics (formerly Invitae), Labcorp
Classification: Uncertain significance for EGFR-related lung cancer. Last evaluated: 2020-12-04. Review status: criteria provided, single submitter. Criteria: Invitae Variant Classification Sherloc (09022015). Collection method: clinical testing. Allele origin: germline.
Comment: This sequence change replaces isoleucine with leucine at codon 953 of the EGFR protein (p.Ile953Leu). The isoleucine residue is moderately conserved and there is a small physicochemical difference between isoleucine and leucine. This variant is not present in population databases (ExAC no frequency). This variant has not been reported in the literature in individuals with EGFR-related conditions. Algorithms developed to predict the effect of missense changes on protein structure and function are either unavailable or do not agree on the potential impact of this missense change (SIFT: "Tolerated"; PolyPhen-2: "Probably Damaging"; Align-GVGD: "Class C0"). In summary, the available evidence is currently insufficient to determine the role of this variant in disease. Therefore, it has been classified as a Variant of Uncertain Significance.